The following is an entry in ClinVar:

NM_000742.4(CHRNA2):c.1037C>A (p.Thr346Asn)

Gene: CHRNA2 (cholinergic receptor nicotinic alpha 2 subunit; minus strand). Cytogenetic location: 8p21.2.
Variant type: single nucleotide variant.
Coding change: c.1037C>A on transcript NM_000742.4 (MANE Select); coding-DNA position 1037, C replaced by A.
Protein change: p.Thr346Asn; replaces threonine 346 with asparagine.
Molecular consequence: missense variant.
Genome position (GRCh38, 1-based): chr8:27,463,406, G>T on the plus strand (C>A on the coding strand, the complement: CHRNA2 is on the minus strand). VCF-style: chr8-27463406-G-T. GRCh37 (hg19) VCF-style: chr8-27320923-G-T.
Other names: c.992C>A, p.Thr331Asn (NM_001282455.2); c.560C>A, p.Thr187Asn (NM_001347705.2, NM_001347706.2); c.443C>A, p.Thr148Asn (NM_001347707.2, NM_001347708.2); short protein forms T148N, T346N, T187N, T331N.
Identifiers: ClinVar variation 639557 (VCV000639557.6), dbSNP rs767656036, ClinGen allele CA4689548.

ClinVar aggregate classification (germline): Uncertain significance (1 of 4 stars; one submission).

Conditions:
Familial sleep-related hypermotor epilepsy. Also called: Autosomal Dominant Sleep-Related Hypermotor (Hyperkinetic) Epilepsy. Identifiers: Orphanet 98784, MedGen C3696898, MONDO:0000030.

Allele frequency attached by ClinVar (database versions not stated): gnomAD exomes 0.00003; TOPMed 0.00003; gnomAD 0.00002; ExAC 0.00001.
gnomAD v4.1: 13 of 1,614,062 alleles (0.00081%); highest among the groups gnomAD compares: Admixed American, 0.02%; no homozygotes.

Submission:

Labcorp Genetics (formerly Invitae), Labcorp
Classification: Uncertain significance. Last evaluated: 2024-06-10. Review status: criteria provided, single submitter. Criteria: Invitae Variant Classification Sherloc (09022015). Collection method: clinical testing. Allele origin: germline.
Comment: This sequence change replaces threonine, which is neutral and polar, with asparagine, which is neutral and polar, at codon 346 of the CHRNA2 protein (p.Thr346Asn). This variant is present in population databases (rs767656036, gnomAD 0.02%). This variant has not been reported in the literature in individuals affected with CHRNA2-related conditions. This missense change has been observed in at least one individual who was not affected with CHRNA2-related conditions (Invitae). ClinVar contains an entry for this variant (Variation ID: 639557). Advanced modeling of protein sequence and biophysical properties (such as structural, functional, and spatial information, amino acid conservation, physicochemical variation, residue mobility, and thermodynamic stability) performed at Invitae indicates that this missense variant is expected to disrupt CHRNA2 protein function with a positive predictive value of 80%. In summary, the available evidence is currently insufficient to determine the role of this variant in disease. Therefore, it has been classified as a Variant of Uncertain Significance.